The following is an entry in ClinVar:

ClinVar aggregate classification (germline): Likely benign (0 of 4 stars; one submission).

Conditions:
UBN2-related disorder. Also called: UBN2-related condition.

Allele frequency attached by ClinVar (database versions not stated): 1000 Genomes Project 30x 0.00031; 1000 Genomes Project 0.00040; TOPMed 0.00044; gnomAD 0.00050; ESP Exome Variant Server 0.00066; gnomAD exomes 0.00072; ExAC 0.00094.
gnomAD v4.1: 1,116 of 1,614,020 alleles (0.069%); highest among the groups gnomAD compares: South Asian, 0.22%; 4 homozygotes.

Submission:

PreventionGenetics, part of Exact Sciences
Classification: Likely benign for UBN2-related condition. Last evaluated: 2022-07-27. Review status: no assertion criteria provided. Collection method: clinical testing. Allele origin: germline.
Comment: This variant is classified as likely benign based on ACMG/AMP sequence variant interpretation guidelines (Richards et al. 2015 PMID: 25741868, with internal and published modifications).

NM_173569.4(UBN2):c.2937G>A (p.Met979Ile)

Gene: UBN2 (ubinuclein 2; plus strand). Cytogenetic location: 7q34.
Variant type: single nucleotide variant.
Coding change: c.2937G>A on transcript NM_173569.4 (MANE Select); coding-DNA position 2937, G replaced by A.
Protein change: p.Met979Ile; replaces methionine 979 with isoleucine.
Molecular consequence: missense variant.
Genome position (GRCh38, 1-based): chr7:139,283,842, G>A. VCF-style: chr7-139283842-G-A. GRCh37 (hg19) VCF-style: chr7-138968588-G-A.
Other names: short protein forms M979I.
Identifiers: ClinVar variation 3034071 (VCV003034071.2), dbSNP rs61751926, ClinGen allele CA4509267.